The following continues an entry in ClinVar:

NM_000277.3(PAH):c.1241A>G (p.Tyr414Cys)

Gene: PAH. ClinVar aggregate classification (germline): Pathogenic. Pathogenic (1).

Submissions 10 to 26 of 33:

Dasa
Classification: Pathogenic. Last evaluated: 2025-05-02. Review status: criteria provided, single submitter. Criteria: DASA Assertion Criteria. Collection method: clinical testing. Allele origin: germline. Not counted in ClinVar's aggregate classification.
Comment: NM_000277.3(PAH):c.1241A>G (p.Tyr414Cys) is a missense variant that results in the substitution of tyrosine with cysteine. This variant has been observed in affected individuals with related phenotype in a genotype context consistent with recessive disease (PMID: 2044609; PMID: 22526846; PMID: 17935162; PMID: 9399896; PMID: 21871829). Functional evidence supports a deleterious effect on the gene or gene product (PMID: 2044609; PMID: 22526846; PMID: 17935162; PMID: 9399896; PMID: 21871829). This variant has been recurrently observed in individuals with related phenotype (PMID: 2044609; PMID: 22526846; PMID: 17935162; PMID: 9399896; PMID: 21871829). Multiple computational predictions support a deleterious effect on the gene or gene product. The variant is present at low frequency in population datasets. Based on the available data, this variant is classified as pathogenic.

Revvity Omics, Revvity
Classification: Pathogenic for Phenylketonuria. Last evaluated: 2024-12-18. Review status: criteria provided, single submitter. Criteria: ACMG Guidelines, 2015. Collection method: clinical testing. Allele origin: germline. Not counted in ClinVar's aggregate classification.

GeneDx
Classification: Pathogenic. Last evaluated: 2024-07-31. Review status: criteria provided, single submitter. Criteria: GeneDx Variant Classification Process June 2021. Collection method: clinical testing. Allele origin: germline. Affected: yes. Not counted in ClinVar's aggregate classification.
Comment: In silico analysis supports that this missense variant has a deleterious effect on protein structure/function; Associated with tetrahydrobiopterin (BH4) responsiveness (PMID: 17935162); This variant is associated with the following publications: (PMID: 25750018, 10479481, 23500595, 20981092, 12655546, 24296287, 26919687, 26822130, 27469133, 15557004, 27121329, 26666653, 29030855, 34405919, 34828281, 15459954, 19609714, 18538294, 22975760, 22995991, 23559577, 20063067, 19036622, 21953985, 21228398, 26542770, 8889590, 12501224, 25087612, 26701937, 26503515, 26803807, 2014036, 14741196, 22526846, 22112818, 12655553, 11385716, 9450897, 8929956, 29499199, 30609409, 21871829, 9399896, 8556304, 30648773, 25596310, 30747360, 31980526, 31589614, 32668217, 33101986, 2044609, 34426522, 33375644, 32778825, 33465300, 29288420, 37421234, 36046396, 36699461, 36537053, 37443404, 17935162)

Greenwood Genetic Center Diagnostic Laboratories, Greenwood Genetic Center
Classification: Pathogenic for Phenylketonuria. Last evaluated: 2024-01-02. Review status: criteria provided, single submitter. Criteria: ACMG Guidelines, 2015. Collection method: clinical testing. Allele origin: germline. Affected: yes. Not counted in ClinVar's aggregate classification.
Comment: PM5, PP3, PP4_Moderate, PS3_Very Strong

Daryl Scott Lab, Baylor College of Medicine
Classification: Pathogenic for PAH-related disorder. Last evaluated: 2024-01-01. Review status: criteria provided, single submitter. Criteria: ACMG Guidelines, 2015. Collection method: clinical testing. Allele origin: maternal. Observed: 1 heterozygote. Not counted in ClinVar's aggregate classification.
Comment: PM5, PP3, PS3, PM3_VeryStrong, PP4_Moderate

Blueprint Genetics
Classification: Pathogenic for PAH-related disorders. Last evaluated: 2023-09-21. Review status: criteria provided, single submitter. Criteria: ACMG Guidelines, 2015. Collection method: clinical testing. Allele origin: germline. Affected: yes. Observed: 5 variant alleles. Not counted in ClinVar's aggregate classification.

3billion
Classification: Pathogenic for Phenylketonuria. Last evaluated: 2023-02-23. Review status: criteria provided, single submitter. Criteria: ACMG Guidelines, 2015. Collection method: clinical testing. Allele origin: unknown. Affected: yes. Not counted in ClinVar's aggregate classification.
Comment: The variant is observed at an extremely low frequency in the gnomAD v2.1.1 dataset (total allele frequency: 0.035%). Missense changes are a common disease-causing mechanism. Functional studies provide strong evidence of the variant having a damaging effect on the gene or gene product (PMID: 2014036, 2044609). In silico tool predictions suggest damaging effect of the variant on gene or gene product (REVEL: 0.98; 3Cnet: 1.00). Same nucleotide change resulting in same amino acid change has been previously reported as pathogenic/likely pathogenic with strong evidence (ClinVar ID: VCV000000593). The variant has been reported to be in trans with a pathogenic variant as either compound heterozygous or homozygous in at least 4 similarly affected unrelated individuals (PMID: 17935162, 21871829, 22526846, 26542770, 9399896). A different missense change at the same codon (p.Tyr414His) has been reported to be associated with PAH-related disorder (PMID: 32668217). Therefore, this variant is classified as Pathogenic according to the recommendation of ACMG/AMP guideline.

Fulgent Genetics
Classification: Pathogenic for Phenylketonuria. Last evaluated: 2022-04-19. Review status: criteria provided, single submitter. Criteria: ACMG Guidelines, 2015. Collection method: clinical testing. Allele origin: unknown. Not counted in ClinVar's aggregate classification.

Centre of Medical Genetics, University Hospital Muenster
Classification: Pathogenic. Last evaluated: 2021-12-20. Review status: criteria provided, single submitter. Criteria: ACMG Guidelines, 2015. Collection method: clinical testing. Allele origin: unknown. Affected: yes. Observed: 1 variant allele, 1 heterozygote. Not counted in ClinVar's aggregate classification.
Comment: ACMG categories: PS1,PM2,PM3,PP3,PP4,PP5

Quest Diagnostics Nichols Institute San Juan Capistrano
Classification: Pathogenic. Last evaluated: 2021-03-19. Review status: criteria provided, single submitter. Criteria: Quest Diagnostics criteria. Collection method: clinical testing. Allele origin: unknown. Not counted in ClinVar's aggregate classification.
Comment: This variant has been associated with marked decrease of PAH activity and at least mild PKU and BH4 responsiveness (PMIDs: 20063067(2010), 25596310 (2015), 30648773 (2019), and BIOPKU). Therefore, the variant is classified as pathogenic.

Myriad Genetics, Inc.
Classification: Pathogenic for Phenylketonuria. Last evaluated: 2019-11-12. Review status: criteria provided, single submitter. Criteria: Myriad Women's Health Autosomal Recessive and X-Linked Classification Criteria (2019). Collection method: clinical testing. Allele origin: unknown. Not counted in ClinVar's aggregate classification.
Comment: NM_000277.1(PAH):c.1241A>G(Y414C) is classified as pathogenic in the context of phenylalanine hydroxylase deficiency, and can be associated with any form of the disease. Sources cited for classification include the following: PMID 12655553, 22112818, 11385716, 22526846, 2014036, 23500595, 8889590, 12501224, 17935162, 18538294, 21953985 and 15557004. Classification of NM_000277.1(PAH):c.1241A>G(Y414C) is based on the following criteria: This is a well-established pathogenic variant in the literature that has been observed more frequently in patients with clinical diagnoses than in healthy populations. Please note: this variant was assessed in the context of healthy population screening.

Centre for Mendelian Genomics, University Medical Centre Ljubljana
Classification: Pathogenic for Phenylketonuria. Last evaluated: 2018-10-31. Review status: criteria provided, single submitter. Criteria: ACMG Guidelines, 2015. Collection method: clinical testing. Allele origin: unknown. Affected: yes. Not counted in ClinVar's aggregate classification.
Comment: This variant was classified as: Pathogenic. The following ACMG criteria were applied in classifying this variant: PS1,PM2,PM1,PM3,PP3,PP2.

Eurofins Ntd Llc (ga)
Classification: Pathogenic. Last evaluated: 2018-02-10. Review status: criteria provided, single submitter. Criteria: EGL ClinVar v180209 classification definitions. Collection method: clinical testing. Allele origin: germline. Observed: 31 variant alleles, 28 heterozygotes, 3 homozygotes. Not counted in ClinVar's aggregate classification.

Center for Pediatric Genomic Medicine, Children's Mercy Hospital and Clinics
Classification: Pathogenic. Last evaluated: 2017-03-28. Review status: criteria provided, single submitter. Criteria: ACMG Guidelines, 2015. Collection method: clinical testing. Allele origin: germline. Not counted in ClinVar's aggregate classification.

Laboratory for Molecular Medicine, Mass General Brigham Personalized Medicine
Classification: Pathogenic for Phenylketonuria. Last evaluated: 2016-04-25. Review status: criteria provided, single submitter. Criteria: LMM Criteria. Collection method: clinical testing. Allele origin: germline. Inheritance: Autosomal recessive inheritance. Observed: 2 variant alleles. Not counted in ClinVar's aggregate classification.
Comment: The p.Tyr414Cys variant in PAH is a well-established pathogenic variant for PKU and has been reported in more than 25 individuals with PKU in a homozygous state or compound heterozygous state with another pathogenic variant (Okano 1991, Nie lsen 2010, Couce 2013). This variant led to reduced enzyme activity in in vitro studies (Okano 1991, Benit 1999, Zurfluh 2008). The p.Tyr414Cys variant has been identified in 0.05% (60/121,344) of chromosomes by the Exome Aggregation Consor tium (ExAC; dbSNP rs5030860) though this frequen cy is low enough to be consistent with a recessive carrier frequency. In summary , this variant meets our criteria to be classified as pathogenic for PKU in an a utosomal recessive manner based upon case observations and functional evidence.

Women's Health and Genetics/Laboratory Corporation of America, LabCorp
Classification: Pathogenic for Phenylketonuria. Last evaluated: 2016-02-18. Review status: criteria provided, single submitter. Criteria: LabCorp Variant Classification Summary - May 2015. Collection method: clinical testing. Allele origin: germline. Not counted in ClinVar's aggregate classification.
Comment: Variant summary: The c.1241A>G variant affects a conserved nucleotide, resulting in amino acid change from Tyr to Cys. 5/5 in-silico tools predict damaging outcome for this variant. This variant is found in 60/121344 control chromosomes at a frequency of 0.0004945, which does not exceed maximal expected frequency of a pathogenic allele (0.0079057). This variant has been reported in numerous patients with PKU or HPA at homozygous or compound heterozygous state. In addition, multiple clinical laboratories/reputable databases classified this variant as pathogenic. Taken together, this variant was classified as Pathogenic.

Genome Diagnostics Laboratory, University Medical Center Utrecht
Classification: Pathogenic for Phenylketonuria. Last evaluated: 2014-10-08. Review status: criteria provided, single submitter. Criteria: ACGS Guidelines, 2013. Collection method: clinical testing. Allele origin: germline. Affected: yes. Study: VKGL Data-share Consensus. Not counted in ClinVar's aggregate classification.